The following is an entry in ClinVar:

NM_000535.7(PMS2):c.1562C>G (p.Ala521Gly)

Gene: PMS2 (PMS1 homolog 2, mismatch repair system component; minus strand). Cytogenetic location: 7p22.1.
Variant type: single nucleotide variant.
Coding change: c.1562C>G on transcript NM_000535.7 (MANE Select); coding-DNA position 1562, C replaced by G.
Protein change: p.Ala521Gly; replaces alanine 521 with glycine.
Molecular consequence: missense variant. On other transcripts: non-coding transcript variant (1).
Genome position (GRCh38, 1-based): chr7:5,987,203, G>C on the plus strand (C>G on the coding strand, the complement: PMS2 is on the minus strand). VCF-style: chr7-5987203-G-C. GRCh37 (hg19) VCF-style: chr7-6026834-G-C.
Other names: c.1748C>G, p.Ala583Gly (NM_001406866.1); c.1586C>G, p.Ala529Gly (NM_001406868.1); c.1454C>G, p.Ala485Gly (NM_001406869.1); c.1406C>G, p.Ala469Gly (NM_001406870.1, NM_001322006.2); c.1562C>G, p.Ala521Gly (NM_001406871.1, NM_001406872.1, NM_001322014.2); c.1364C>G, p.Ala455Gly (NM_001406873.1); c.1394C>G, p.Ala465Gly (NM_001406874.1); c.1253C>G, p.Ala418Gly (NM_001406875.1, NM_001322015.2, NM_001406877.1 and 5 more transcripts); and 12 more; short protein forms A210G, A264G, A330G, A334G, A350G, A363G, A366G, A386G.
Identifiers: ClinVar variation 1710699 (VCV001710699.8), dbSNP rs2128727952, ClinGen allele CA366741583.

ClinVar aggregate classification (germline): Conflicting classifications of pathogenicity. Review status: criteria provided, conflicting classifications (1 of 4 stars). 3 submissions from 3 submitters: Uncertain significance (2); Likely benign (1). Last evaluated 2026-08-14.

Conditions:
Hereditary cancer-predisposing syndrome. Also called: Tumor predisposition; Hereditary neoplastic syndrome; Neoplastic Syndromes, Hereditary; Hereditary Cancer Syndrome. Identifiers: Orphanet 140162, MedGen C0027672, MeSH D009386, MONDO:0015356.
Hereditary nonpolyposis colorectal neoplasms. Identifiers: MedGen C0009405, MeSH D003123.

Allele frequency attached by ClinVar (database versions not stated): gnomAD exomes below 0.00001.
gnomAD v4.1: 1 of 1,614,072 alleles (0.000062%); highest among the groups gnomAD compares: East Asian, 0.0022%; no homozygotes.

Submissions (3):

Ambry Genetics
Classification: Likely benign for Hereditary cancer-predisposing syndrome. Last evaluated: 2026-08-14. Review status: criteria provided, single submitter. Criteria: Ambry Variant Classification Scheme 2023. Collection method: clinical testing. Allele origin: germline.

Labcorp Genetics (formerly Invitae), Labcorp
Classification: Uncertain significance for Hereditary nonpolyposis colorectal neoplasms. Last evaluated: 2025-12-15. Review status: criteria provided, single submitter. Criteria: Invitae Variant Classification Sherloc (09022015). Collection method: clinical testing. Allele origin: germline.
Comment: This sequence change replaces alanine, which is neutral and non-polar, with glycine, which is neutral and non-polar, at codon 521 of the PMS2 protein (p.Ala521Gly). This variant is not present in population databases (gnomAD no frequency). This variant has not been reported in the literature in individuals affected with PMS2-related conditions. ClinVar contains an entry for this variant (Variation ID: 1710699). Invitae Evidence Modeling incorporating data from in vitro experimental studies (internal data) indicates that this missense variant is not expected to disrupt PMS2 function with a negative predictive value of 95%. In summary, the available evidence is currently insufficient to determine the role of this variant in disease. Therefore, it has been classified as a Variant of Uncertain Significance.

GeneDx
Classification: Uncertain significance. Last evaluated: 2022-10-14. Review status: criteria provided, single submitter. Criteria: GeneDx Variant Classification Process June 2021. Collection method: clinical testing. Allele origin: germline. Affected: yes.
Comment: Not observed at significant frequency in large population cohorts (gnomAD); In silico analysis supports that this missense variant does not alter protein structure/function; Has not been previously published as pathogenic or benign to our knowledge